The following is an entry in ClinVar:

NM_000152.5(GAA):c.2240G>A (p.Gly747Glu)

Gene: GAA (alpha glucosidase; plus strand). Cytogenetic location: 17q25.3.
Variant type: single nucleotide variant.
Coding change: c.2240G>A on transcript NM_000152.5 (MANE Select); coding-DNA position 2240, G replaced by A.
Protein change: p.Gly747Glu; replaces glycine 747 with glutamic acid.
Molecular consequence: missense variant.
Genome position (GRCh38, 1-based): chr17:80,117,018, G>A. VCF-style: chr17-80117018-G-A. GRCh37 (hg19) VCF-style: chr17-78090817-G-A.
Other names: c.2240G>A, p.Gly747Glu (NM_001079803.3, NM_001079804.3, NM_001406741.1 and 1 more transcripts); short protein forms G747E.
Identifiers: ClinVar variation 4876531 (VCV004876531.1).

ClinVar aggregate classification (germline): Likely pathogenic (1 of 4 stars; one submission).

Conditions:
Glycogen storage disease, type II (IOPD). Also called: Pompe Disease; CARDIOMEGALIA GLYCOGENICA DIFFUSA; GLYCOGENOSIS, GENERALIZED, CARDIAC FORM; GSD II; POMPE DISEASE, INFANTILE-ONSET; GLYCOGEN STORAGE DISEASE II, INFANTILE-ONSET. Identifiers: Orphanet 365, MedGen C0017921, MONDO:0009290, OMIM 232300.

Submission:

Genomenon, Inc
Classification: Likely pathogenic for Glycogen storage disease, type II. Last evaluated: 2026-07-01. Review status: criteria provided, single submitter. Criteria: Genomenon Sequence Variant Interpretation Standards - Updated. Collection method: curation. Allele origin: germline. Affected: yes.
Comment: GAA p.Gly747Glu (c.2240G>A) is a missense variant that changes the amino acid at codon 747 from Glycine to Glutamic acid. This variant has been observed in at least one proband with a GAA-related disorder in the compound heterozygous and/or homozygous state (PMID:39010129). It is absent or not present at a significant frequency in gnomAD. In silico models predict that this variant is possibly or probably damaging. In conclusion, we classify GAA p.Gly747Glu (c.2240G>A) as a likely pathogenic variant.

Literature cited by the submitters: PubMed 39010129.